The following is an entry in ClinVar:

ClinVar aggregate classification (germline): Pathogenic (0 of 4 stars; one submission).

Conditions:
Pyruvate dehydrogenase E1-alpha deficiency (PDHAD). Also called: ATAXIA, INTERMITTENT, WITH PYRUVATE DEHYDROGENASE DEFICIENCY; ATAXIA WITH LACTIC ACIDOSIS I; ATAXIA, INTERMITTENT, WITH ABNORMAL PYRUVATE METABOLISM; Ataxia, intermittent, with pyruvate dehydrogenase, or decarboxylase, deficiency. Identifiers: Orphanet 79243, MedGen C1839413, MONDO:0010717, OMIM 312170.

Submission:

PDHA1 Study Group, University Children’s Hospital, Paracelsus Medical University
Classification: Pathogenic for Pyruvate dehydrogenase E1-alpha deficiency. Last evaluated: 2024-10-15. Review status: no assertion criteria provided. Collection method: research. Allele origin: germline. Affected: yes. Observed: 2 variant alleles.
Comment: The NM_000284.3:c.890dup (p.Gly298TrpfsTer16) change is a frameshift variant in PDHA1 gene. This variant is predicted to result in nonsense-mediated decay (NMD). In total, 2 individuals were diagnosed with PDHA1-related Pyruvate dehydrogenase complex (PDHc) deficiency (MIM #312170). The variant has been reported in 2 published cases (PMIDs: 28918066, 23021068). Last literature search: July 12, 2024. This variant is absent or extremely rare in population-based cohorts in the Genome Aggregation Database (gnomAD). Individuals harboring this variant presented with clinical features compatible with PDHA1-related PDHc deficiency. In summary, this variant meets criteria to be classified as pathogenic (P) for PDHA1-related PDHc deficiency based on the ACMG/AMP criteria applied: PVS1, PS3, PM2, PM7 (last assessment October 15, 2024).

Literature cited by the submitters: PubMed 28918066; PubMed 23021068; DOI 10.1093/brain/awaf430.

NM_000284.4(PDHA1):c.890dup (p.Gly298fs)

Gene: PDHA1 (pyruvate dehydrogenase E1 subunit alpha 1; plus strand). Cytogenetic location: Xp22.12.
Variant type: Duplication.
Coding change: c.890dup on transcript NM_000284.4 (MANE Select); coding-DNA position 890, one base duplicated (C; older notation c.890dupC).
Protein change: p.Gly298fs; shifts the reading frame from glycine 298.
Molecular consequence: frameshift variant.
Genome position (GRCh38, 1-based): chrX:19,357,710, C duplicated; the last of 3 consecutive C bases (chrX:19,357,708-19,357,710); duplicating any one gives the same sequence. VCF-style (leftmost placement, unchanged base first): chrX-19357707-A-AC. GRCh37 (hg19) VCF-style: chrX-19375825-A-AC.
Other names: c.1004dup, p.Gly336fs (NM_001173454.2); c.911dup, p.Gly305fs (NM_001173455.2); c.797dup, p.Gly267fs (NM_001173456.2); short protein forms G267fs, G298fs, G305fs, G336fs.
Identifiers: ClinVar variation 4070511 (VCV004070511.1).
Genomic context (GRCh38, chrX:19,357,707, plus strand): 5'-TTTAGGGGCCCATCCTGATGGAGCTGCAGACTTACCGTTACCACGGACACAGTATGAGTG[A>AC]CCCTGGAGTCAGGTACGCTCATGGGCAGTGTGGTTTCCATAGGGGTGGGCTTTGAATGGT-3'